The following is an entry in ClinVar:

ClinVar aggregate classification (germline): Uncertain significance (1 of 4 stars; one submission).

Conditions:
Cardiomyopathy (CMYO). Also called: Cardiomyopathies. Identifiers: Orphanet 167848, MedGen C0878544, MONDO:0004994, HP:0001638. Inheritance: Various modes of inheritance.

Allele frequency attached by ClinVar (database versions not stated): gnomAD exomes below 0.00001; ExAC 0.00002.
gnomAD v4.1: 1 of 1,612,050 alleles (0.000062%); highest among the groups gnomAD compares: Non-Finnish European, 0.000085%; no homozygotes.

Submission:

Color Diagnostics, LLC DBA Color Health
Classification: Uncertain significance for Cardiomyopathy. Last evaluated: 2023-10-30. Review status: criteria provided, single submitter. Criteria: ACMG Guidelines, 2015. Collection method: clinical testing. Allele origin: germline.
Comment: This missense variant replaces alanine with proline at codon 258 of the TMEM43 protein. Computational prediction suggests that this variant may not impact protein structure and function (internally defined REVEL score threshold <= 0.5, PMID: 27666373). To our knowledge, functional studies have not been reported for this variant. This variant has not been reported in individuals affected with TMEM43-related disorders in the literature. This variant has been identified in 2/249232 chromosomes in the general population by the Genome Aggregation Database (gnomAD). The available evidence is insufficient to determine the role of this variant in disease conclusively. Therefore, this variant is classified as a Variant of Uncertain Significance.

NM_024334.3(TMEM43):c.772G>C (p.Ala258Pro)

Gene: TMEM43 (transmembrane protein 43; plus strand). Cytogenetic location: 3p25.1.
Variant type: single nucleotide variant.
Coding change: c.772G>C on transcript NM_024334.3 (MANE Select); coding-DNA position 772, G replaced by C.
Protein change: p.Ala258Pro; replaces alanine 258 with proline.
Molecular consequence: missense variant. On other transcripts: intron variant (1).
Genome position (GRCh38, 1-based): chr3:14,135,224, G>C. VCF-style: chr3-14135224-G-C. GRCh37 (hg19) VCF-style: chr3-14176724-G-C.
Other names: c.775G>C, p.Ala259Pro (NM_001407274.1); c.772G>C, p.Ala258Pro (NM_001407275.1, NM_001407276.1, NM_001407277.1); c.757G>C, p.Ala253Pro (NM_001407278.1); c.622G>C, p.Ala208Pro (NM_001407280.1); c.705+333G>C (NM_001407279.1); short protein forms A253P, A259P, A208P, A258P.
Identifiers: ClinVar variation 2774606 (VCV002774606.2), dbSNP rs765185040, ClinGen allele CA055289.